The following is an entry in ClinVar:

NM_003049.4(SLC10A1):c.642C>T (p.Ile214=)

Gene: SLC10A1 (solute carrier family 10 member 1; minus strand). Cytogenetic location: 14q24.1.
Variant type: single nucleotide variant.
Coding change: c.642C>T on transcript NM_003049.4 (MANE Select); coding-DNA position 642, C replaced by T.
Protein change: p.Ile214=; no amino-acid change (isoleucine 214 retained).
Molecular consequence: synonymous variant.
Genome position (GRCh38, 1-based): chr14:69,779,286, G>A on the plus strand (C>T on the coding strand, the complement: SLC10A1 is on the minus strand). VCF-style: chr14-69779286-G-A. GRCh37 (hg19) VCF-style: chr14-70246003-G-A.
Identifiers: ClinVar variation 3058870 (VCV003058870.2), dbSNP rs1036201944, ClinGen allele CA262951652.

ClinVar aggregate classification (germline): Likely benign (0 of 4 stars; one submission).

Conditions:
SLC10A1-related disorder. Also called: SLC10A1-related condition.

Allele frequency attached by ClinVar (database versions not stated): gnomAD 0.00001; TOPMed 0.00002.
gnomAD v4.1: 2 of 1,613,826 alleles (0.00012%); highest among the groups gnomAD compares: African/African-American, 0.0027%; no homozygotes.

Submission:

PreventionGenetics, part of Exact Sciences
Classification: Likely benign for SLC10A1-related condition. Last evaluated: 2022-02-01. Review status: no assertion criteria provided. Collection method: clinical testing. Allele origin: germline.
Comment: This variant is classified as likely benign based on ACMG/AMP sequence variant interpretation guidelines (Richards et al. 2015 PMID: 25741868, with internal and published modifications).